The following is an entry in ClinVar:

NM_000168.6(GLI3):c.3097C>A (p.Pro1033Thr)

Gene: GLI3 (GLI family zinc finger 3; minus strand). Cytogenetic location: 7p14.1.
Variant type: single nucleotide variant.
Coding change: c.3097C>A on transcript NM_000168.6 (MANE Select); coding-DNA position 3097, C replaced by A.
Protein change: p.Pro1033Thr; replaces proline 1033 with threonine.
Molecular consequence: missense variant.
Genome position (GRCh38, 1-based): chr7:41,965,976, G>T on the plus strand (C>A on the coding strand, the complement: GLI3 is on the minus strand). VCF-style: chr7-41965976-G-T. GRCh37 (hg19) VCF-style: chr7-42005574-G-T.
Other names: short protein forms P1033T.
Identifiers: ClinVar variation 1961861 (VCV001961861.5), dbSNP rs1004434266, ClinGen allele CA156904729.

ClinVar aggregate classification (germline): Uncertain significance (1 of 4 stars; one submission).

Conditions:
Pallister-Hall syndrome (PHS). Also called: GLI3-Related Pallister-Hall Syndrome; HYPOTHALAMIC HAMARTOBLASTOMA, HYPOPITUITARISM, IMPERFORATE ANUS, AND POSTAXIAL POLYDACTYLY. Identifiers: Orphanet 672, MedGen C0265220, MONDO:0007804, OMIM 146510.
Greig cephalopolysyndactyly syndrome (GCPS). Also called: POLYSYNDACTYLY WITH PECULIAR SKULL SHAPE; Greig syndrome; GLI3-Related Greig Cephalopolysyndactyly Syndrome. Identifiers: Orphanet 380, MedGen C0265306, MONDO:0008287, OMIM 175700.

Submission:

Labcorp Genetics (formerly Invitae), Labcorp
Classification: Uncertain significance for Pallister-Hall syndrome; Greig cephalopolysyndactyly syndrome. Last evaluated: 2024-09-04. Review status: criteria provided, single submitter. Criteria: Invitae Variant Classification Sherloc (09022015). Collection method: clinical testing. Allele origin: germline.
Comment: This sequence change replaces proline, which is neutral and non-polar, with threonine, which is neutral and polar, at codon 1033 of the GLI3 protein (p.Pro1033Thr). This variant is not present in population databases (gnomAD no frequency). This variant has not been reported in the literature in individuals affected with GLI3-related conditions. ClinVar contains an entry for this variant (Variation ID: 1961861). Invitae Evidence Modeling of protein sequence and biophysical properties (such as structural, functional, and spatial information, amino acid conservation, physicochemical variation, residue mobility, and thermodynamic stability) indicates that this missense variant is not expected to disrupt GLI3 protein function with a negative predictive value of 80%. In summary, the available evidence is currently insufficient to determine the role of this variant in disease. Therefore, it has been classified as a Variant of Uncertain Significance.